The following is an entry in ClinVar:

NM_001048174.2(MUTYH):c.607-18_607-17del

Gene: MUTYH (mutY DNA glycosylase; minus strand). Cytogenetic location: 1p34.1.
Variant type: Deletion.
Coding change: c.607-18_607-17del on transcript NM_001048174.2 (MANE Select); 18 bases into the intron before coding-DNA position 607 through 17 bases into the intron before coding-DNA position 607, 2 bases deleted (TT; older notation c.607-18_607-17delTT).
Molecular consequence: intron variant.
Genome position (GRCh38, 1-based): chr1:45,332,505-45,332,506, AA deleted on the plus strand (TT on the coding strand, the reverse complement: MUTYH is on the minus strand); deleting any 2 consecutive bases within chr1:45,332,505-45,332,507 gives the same sequence; the c. name uses the placement nearest the transcript's 3' end. VCF-style (leftmost placement, unchanged base first): chr1-45332504-CAA-C. GRCh37 (hg19) VCF-style: chr1-45798176-CAA-C.
Other names: c.262-18_262-17del (NM_001350651.2, NM_001350650.2); c.331-18_331-17del (NM_001293192.2, NM_001293196.2); c.691-18_691-17delTT (NM_001128425.1); c.607-18_607-17del (NM_001048171.2, NM_001048173.2, NM_001293195.2); c.652-18_652-17del (NM_001293190.2); c.682-18_682-17del (NM_012222.3); c.691-18_691-17del (NM_001128425.2); c.610-18_610-17del (NM_001048172.2); and 1 more.
Identifiers: ClinVar variation 419912 (VCV000419912.11), dbSNP rs765157527, ClinGen allele CA058679.

ClinVar aggregate classification (germline): Likely benign. Review status: criteria provided, multiple submitters, no conflicts (2 of 4 stars). 4 submissions from 4 submitters: Likely benign (4). Last evaluated 2025-03-14.

Conditions:
Hereditary cancer-predisposing syndrome. Also called: Tumor predisposition; Hereditary Cancer Syndrome; Hereditary neoplastic syndrome; Neoplastic Syndromes, Hereditary. Identifiers: Orphanet 140162, MedGen C0027672, MeSH D009386, MONDO:0015356.
Familial adenomatous polyposis 2. Also called: COLORECTAL ADENOMATOUS POLYPOSIS, AUTOSOMAL RECESSIVE; MUTYH Polyposis; MUTYH-associated polyposis; MUTYH-related attenuated familial adenomatous polyposis; Adenomas, multiple colorectal; ADENOMAS, MULTIPLE COLORECTAL, AUTOSOMAL RECESSIVE. Identifiers: Orphanet 220460, Orphanet 247798, MedGen C3272841, MONDO:0012041, OMIM 608456.

Submissions (4):

Labcorp Genetics (formerly Invitae), Labcorp
Classification: Likely benign for Familial adenomatous polyposis 2. Last evaluated: 2025-03-14. Review status: criteria provided, single submitter. Criteria: Invitae Variant Classification Sherloc (09022015). Collection method: clinical testing. Allele origin: germline.

Mendelics
Classification: Likely benign for MYH-associated polyposis. Last evaluated: 2018-07-02. Review status: criteria provided, single submitter. Criteria: Mendelics Assertion Criteria 2017. Collection method: clinical testing. Allele origin: unknown.

Color Diagnostics, LLC DBA Color Health
Classification: Likely benign for Hereditary cancer-predisposing syndrome. Last evaluated: 2017-05-19. Review status: criteria provided, single submitter. Criteria: ACMG Guidelines, 2015. Collection method: clinical testing. Allele origin: germline.

GeneDx
Classification: Likely benign. Last evaluated: 2015-10-14. Review status: criteria provided, single submitter. Criteria: GeneDx Variant Classification (06012015). Collection method: clinical testing. Allele origin: germline. Affected: yes.
Comment: This variant is considered likely benign or benign based on one or more of the following criteria: it is a conservative change, it occurs at a poorly conserved position in the protein, it is predicted to be benign by multiple in silico algorithms, and/or has population frequency not consistent with disease.